The following is an entry in ClinVar:

ClinVar aggregate classification (germline): Likely benign. Review status: criteria provided, multiple submitters, no conflicts (2 of 4 stars). 2 submissions from 2 submitters: Likely benign (2). Last evaluated 2025-02-25.

Allele frequency attached by ClinVar (database versions not stated): gnomAD exomes 0.00004; ExAC 0.00005; gnomAD 0.00007; TOPMed 0.00008; ESP Exome Variant Server 0.00015.
gnomAD v4.1: 67 of 1,608,190 alleles (0.0042%); highest among the groups gnomAD compares: African/African-American, 0.025%; no homozygotes.

Submissions (2):

Labcorp Genetics (formerly Invitae), Labcorp
Classification: Likely benign. Last evaluated: 2025-02-25. Review status: criteria provided, single submitter. Criteria: Invitae Variant Classification Sherloc (09022015). Collection method: clinical testing. Allele origin: germline.

CeGaT Center for Human Genetics Tuebingen
Classification: Likely benign. Last evaluated: 2022-03-01. Review status: criteria provided, single submitter. Criteria: CeGaT Center For Human Genetics Tuebingen Variant Classification Criteria Version 2. Collection method: clinical testing. Allele origin: germline. Affected: yes. Observed: 1 variant allele.
Comment: DCHS1: BP4, BP7

NM_003737.4(DCHS1):c.9849C>T (p.Ser3283=)

Gene: DCHS1 (dachsous cadherin-related 1; minus strand). Cytogenetic location: 11p15.4.
Variant type: single nucleotide variant.
Coding change: c.9849C>T on transcript NM_003737.4 (MANE Select); coding-DNA position 9849, C replaced by T.
Protein change: p.Ser3283=; no amino-acid change (serine 3283 retained).
Molecular consequence: synonymous variant.
Genome position (GRCh38, 1-based): chr11:6,621,827, G>A on the plus strand (C>T on the coding strand, the complement: DCHS1 is on the minus strand). VCF-style: chr11-6621827-G-A. GRCh37 (hg19) VCF-style: chr11-6643058-G-A.
Identifiers: ClinVar variation 2641557 (VCV002641557.27), dbSNP rs148587402, ClinGen allele CA5859163.